The following is an entry in ClinVar:

ClinVar aggregate classification (germline): Pathogenic (1 of 4 stars; one submission).

Conditions:
Periodontitis, aggressive. Identifiers: MedGen C0031106, MONDO:0980757.
Haim-Munk syndrome (HMS). Also called: COCHIN JEWISH DISORDER; KERATOSIS PALMOPLANTARIS WITH PERIODONTOPATHIA AND ONYCHOGRYPOSIS. Identifiers: Orphanet 2342, MedGen C1855627, MONDO:0009491, OMIM 245010.
Papillon-Lefèvre syndrome (PALS). Also called: KERATOSIS PALMOPLANTARIS WITH PERIODONTOPATHIA; Papillon-Lefevre Disease. Identifiers: Orphanet 678, MedGen C0030360, MONDO:0009490, OMIM 245000.

gnomAD v4.1: 2 of 1,613,792 alleles (0.00012%); highest among the groups gnomAD compares: Non-Finnish European, 0.00017%; no homozygotes.

Submission:

Labcorp Genetics (formerly Invitae), Labcorp
Classification: Pathogenic for Haim-Munk syndrome; Periodontitis, aggressive; Papillon-Lefèvre syndrome. Last evaluated: 2022-07-08. Review status: criteria provided, single submitter. Criteria: Invitae Variant Classification Sherloc (09022015). Collection method: clinical testing. Allele origin: germline.
Comment: This variant is not present in population databases (gnomAD no frequency). This sequence change affects a donor splice site in intron 6 of the CTSC gene. While this variant is not anticipated to result in nonsense mediated decay, it likely alters RNA splicing and results in a disrupted protein product. This variant has not been reported in the literature in individuals affected with CTSC-related conditions. Variants that disrupt the consensus splice site are a relatively common cause of aberrant splicing (PMID: 17576681, 9536098). Algorithms developed to predict the effect of sequence changes on RNA splicing suggest that this variant may disrupt the consensus splice site. This variant disrupts a region of the CTSC protein in which other variant(s) (p.Tyr347Cys) have been determined to be pathogenic (PMID: 10581027, 10662808, 28317349). This suggests that this is a clinically significant region of the protein, and that variants that disrupt it are likely to be disease-causing. For these reasons, this variant has been classified as Pathogenic.

Literature cited by the submitters: PubMed 17576681; PubMed 9536098; PubMed 10581027; PubMed 10662808; PubMed 28317349.

NM_001814.6(CTSC):c.889+1G>A

Gene: CTSC (cathepsin C; minus strand). Cytogenetic location: 11q14.2.
Variant type: single nucleotide variant.
Coding change: c.889+1G>A on transcript NM_001814.6 (MANE Select); the canonical splice donor site of the intron after coding-DNA position 889, G replaced by A.
Molecular consequence: splice donor variant.
Genome position (GRCh38, 1-based): chr11:88,296,132, C>T on the plus strand (G>A on the coding strand, the complement: CTSC is on the minus strand). VCF-style: chr11-88296132-C-T. GRCh37 (hg19) VCF-style: chr11-88029300-C-T.
Identifiers: ClinVar variation 1993744 (VCV001993744.4), dbSNP rs2496532669, ClinGen allele CA382022351.
Genomic context (GRCh38, chr11:88,296,132, plus strand): 5'-ACAACAGCCAGCTGCACACAGGTAAATAGCTCATAAATGGTGTCTGAAATGCAACACTTA[C>T]CTTGAGCATACTGGCTACAAGACACAACCTCCTGAGGGCTTAGGATTGGGGTCTGAGAAT-3'